The following is an entry in ClinVar:

ClinVar aggregate classification (germline): Uncertain significance. Review status: criteria provided, multiple submitters, no conflicts (2 of 4 stars). 2 submissions from 2 submitters: Uncertain significance (2). Last evaluated 2023-05-18.

Conditions:
Juvenile polyposis syndrome (JPS). Identifiers: Orphanet 2929, MedGen C0345893, MONDO:0017380, OMIM 174900.
Familial thoracic aortic aneurysm and aortic dissection (TAAD). Also called: Thoracic aortic aneurysms and dissections. Identifiers: Orphanet 91387, MedGen C4707243, MONDO:0019625.
Hereditary cancer-predisposing syndrome. Also called: Neoplastic Syndromes, Hereditary; Tumor predisposition; Hereditary neoplastic syndrome; Hereditary Cancer Syndrome. Identifiers: Orphanet 140162, MedGen C0027672, MeSH D009386, MONDO:0015356.

Allele frequency attached by ClinVar (database versions not stated): gnomAD exomes below 0.00001.
gnomAD v4.1: 3 of 1,613,560 alleles (0.00019%); highest among the groups gnomAD compares: Non-Finnish European, 0.00017%; no homozygotes.

Submissions (2):

Labcorp Genetics (formerly Invitae), Labcorp
Classification: Uncertain significance for Juvenile polyposis syndrome. Last evaluated: 2023-05-18. Review status: criteria provided, single submitter. Criteria: Invitae Variant Classification Sherloc (09022015). Collection method: clinical testing. Allele origin: germline.
Comment: ClinVar contains an entry for this variant (Variation ID: 1754195). This variant has not been reported in the literature in individuals affected with SMAD4-related conditions. This variant is present in population databases (no rsID available, gnomAD 0.004%). This sequence change replaces valine, which is neutral and non-polar, with methionine, which is neutral and non-polar, at codon 219 of the SMAD4 protein (p.Val219Met). Advanced modeling of protein sequence and biophysical properties (such as structural, functional, and spatial information, amino acid conservation, physicochemical variation, residue mobility, and thermodynamic stability) performed at Invitae indicates that this missense variant is not expected to disrupt SMAD4 protein function. In summary, the available evidence is currently insufficient to determine the role of this variant in disease. Therefore, it has been classified as a Variant of Uncertain Significance.

Ambry Genetics
Classification: Uncertain significance for Hereditary cancer-predisposing syndrome; Familial thoracic aortic aneurysm and aortic dissection. Last evaluated: 2020-05-21. Review status: criteria provided, single submitter. Criteria: Ambry Variant Classification Scheme 2023. Collection method: clinical testing. Allele origin: germline.
Comment: The p.V219M variant (also known as c.655G>A), located in coding exon 4 of the SMAD4 gene, results from a G to A substitution at nucleotide position 655. The valine at codon 219 is replaced by methionine, an amino acid with highly similar properties. This amino acid position is highly conserved in available vertebrate species. In addition, the in silico prediction for this alteration is inconclusive. Since supporting evidence is limited at this time, the clinical significance of this alteration remains unclear.

NM_005359.6(SMAD4):c.655G>A (p.Val219Met)

Gene: SMAD4 (SMAD family member 4; plus strand). Cytogenetic location: 18q21.2.
Variant type: single nucleotide variant.
Coding change: c.655G>A on transcript NM_005359.6 (MANE Select); coding-DNA position 655, G replaced by A.
Protein change: p.Val219Met; replaces valine 219 with methionine.
Molecular consequence: missense variant.
Genome position (GRCh38, 1-based): chr18:51,054,981, G>A. VCF-style: chr18-51054981-G-A. GRCh37 (hg19) VCF-style: chr18-48581351-G-A.
Other names: c.655G>A, p.Val219Met (NM_001407041.1, NM_001407042.1, NM_001407043.1); short protein forms V219M.
Identifiers: ClinVar variation 1754195 (VCV001754195.4), dbSNP rs1368696589, ClinGen allele CA402461323.
Genomic context (GRCh38, chr18:51,054,981, plus strand): 5'-GCTCTGTTAGCCCCATCTGAGTCTAATGCTACCAGCACTGCCAACTTTCCCAACATTCCT[G>A]TGGCTTCCACAAGTGAGTTCTAGAATCAGATGTAGTCAGCAAGTTGAGTTTTCCTAATCA-3'
Protein context (NP_005350.1, residues 209-229): TSTANFPNIP[Val219Met]ASTSQPASIL